The following is an entry in ClinVar:

ClinVar aggregate classification (germline): Uncertain significance. Review status: criteria provided, multiple submitters, no conflicts (2 of 4 stars). 2 submissions from 2 submitters: Uncertain significance (2). Last evaluated 2025-03-31.

Conditions:
Arrhythmogenic right ventricular dysplasia 5. Also called: Arrhythmogenic Right Ventricular Dysplasia/Cardiomyopathy 5; ARRHYTHMOGENIC RIGHT VENTRICULAR DYSPLASIA, FAMILIAL, 5. Identifiers: MedGen C1858379, MONDO:0011459, OMIM 604400.
Cardiovascular phenotype. Identifiers: MedGen CN230736.

Allele frequency attached by ClinVar (database versions not stated): gnomAD exomes 0.00001.
gnomAD v4.1: 7 of 1,609,974 alleles (0.00043%); highest among the groups gnomAD compares: Admixed American, 0.0017%; no homozygotes.

Submissions (2):

Ambry Genetics
Classification: Uncertain significance for Cardiovascular phenotype. Last evaluated: 2025-03-31. Review status: criteria provided, single submitter. Criteria: Ambry Variant Classification Scheme 2023. Collection method: clinical testing. Allele origin: germline.
Comment: The p.A3T variant (also known as c.7G>A), located in coding exon 1 of the TMEM43 gene, results from a G to A substitution at nucleotide position 7. The alanine at codon 3 is replaced by threonine, an amino acid with similar properties. This amino acid position is conserved. In addition, this alteration is predicted to be tolerated by in silico analysis. Based on the available evidence, the clinical significance of this variant remains unclear.

Labcorp Genetics (formerly Invitae), Labcorp
Classification: Uncertain significance for Arrhythmogenic right ventricular dysplasia 5. Last evaluated: 2022-11-16. Review status: criteria provided, single submitter. Criteria: Invitae Variant Classification Sherloc (09022015). Collection method: clinical testing. Allele origin: germline.
Comment: In summary, the available evidence is currently insufficient to determine the role of this variant in disease. Therefore, it has been classified as a Variant of Uncertain Significance. Algorithms developed to predict the effect of missense changes on protein structure and function (SIFT, PolyPhen-2, Align-GVGD) all suggest that this variant is likely to be tolerated. This variant has not been reported in the literature in individuals affected with TMEM43-related conditions. This variant is not present in population databases (gnomAD no frequency). This sequence change replaces alanine, which is neutral and non-polar, with threonine, which is neutral and polar, at codon 3 of the TMEM43 protein (p.Ala3Thr).

NM_024334.3(TMEM43):c.7G>A (p.Ala3Thr)

Gene: TMEM43 (transmembrane protein 43; plus strand). Cytogenetic location: 3p25.1.
Variant type: single nucleotide variant.
Coding change: c.7G>A on transcript NM_024334.3 (MANE Select); coding-DNA position 7, G replaced by A.
Protein change: p.Ala3Thr; replaces alanine 3 with threonine.
Molecular consequence: missense variant.
Genome position (GRCh38, 1-based): chr3:14,125,200, G>A. VCF-style: chr3-14125200-G-A. GRCh37 (hg19) VCF-style: chr3-14166700-G-A.
Other names: c.7G>A, p.Ala3Thr (NM_001407274.1, NM_001407275.1, NM_001407276.1 and 4 more transcripts); short protein forms A3T.
Identifiers: ClinVar variation 2416776 (VCV002416776.7), dbSNP rs2470170038, ClinGen allele CA351533968.